The following is an entry in ClinVar:

ClinVar aggregate classification (germline): Benign. Review status: criteria provided, multiple submitters, no conflicts (2 of 4 stars). 3 submissions from 3 submitters: Benign (3). Last evaluated 2021-08-10.

Conditions:
Charcot-Marie-Tooth disease type 4H (CMT4H). Also called: CHARCOT-MARIE-TOOTH DISEASE, AUTOSOMAL RECESSIVE, TYPE 4H; CHARCOT-MARIE-TOOTH DISEASE, DEMYELINATING, AUTOSOMAL RECESSIVE, TYPE 4H; CHARCOT-MARIE-TOOTH NEUROPATHY, TYPE 4H; CHARCOT-MARIE-TOOTH DISEASE, DEMYELINATING, TYPE 4H. Identifiers: Orphanet 99954, MedGen C1836336, MONDO:0012250, OMIM 609311.

Allele frequency attached by ClinVar (database versions not stated): ESP Exome Variant Server 0.31519; gnomAD exomes 0.33997 and 0.34609; ExAC 0.34848; gnomAD 0.41741 and 0.42297; 1000 Genomes Project 0.42612; TOPMed 0.44338.
gnomAD v4.1: 554,711 of 1,594,468 alleles (35%); highest among the groups gnomAD compares: African/African-American, 65%; 100,881 homozygotes.

Submissions (3):

Genome-Nilou Lab
Classification: Benign for Charcot-Marie-Tooth disease type 4H. Last evaluated: 2021-08-10. Review status: criteria provided, single submitter. Criteria: ACMG Guidelines, 2015. Collection method: clinical testing. Allele origin: germline. Affected: no.

GeneDx
Classification: Benign. Last evaluated: 2018-06-19. Review status: criteria provided, single submitter. Criteria: GeneDx Variant Classification (06012015). Collection method: clinical testing. Allele origin: germline. Affected: yes.
Comment: This variant is considered likely benign or benign based on one or more of the following criteria: it is a conservative change, it occurs at a poorly conserved position in the protein, it is predicted to be benign by multiple in silico algorithms, and/or has population frequency not consistent with disease.

Breakthrough Genomics
Classification: Benign. Review status: criteria provided, single submitter. Criteria: ACMG Guidelines, 2015. Collection method: not provided. Allele origin: germline. Inheritance: Autosomal recessive inheritance. Affected: yes.

NM_001370298.3(FGD4):c.1248-37T>A

Gene: FGD4 (FYVE, RhoGEF and PH domain containing 4; plus strand). Cytogenetic location: 12p11.21.
Variant type: single nucleotide variant.
Coding change: c.1248-37T>A on transcript NM_001370298.3 (MANE Select); 37 bases into the intron before coding-DNA position 1248, T replaced by A.
Molecular consequence: intron variant.
Genome position (GRCh38, 1-based): chr12:32,602,124, T>A. VCF-style: chr12-32602124-T-A. GRCh37 (hg19) VCF-style: chr12-32755058-T-A.
Other names: c.1248-37T>A (NM_001384126.1); c.1092-37T>A (NM_001304481.2); c.558-37T>A (NM_001330374.2, NM_001330373.2, NM_001384130.1); c.837-37T>A (NM_139241.3, NM_001384127.1, NM_001385118.1 and 1 more transcripts); c.-215-37T>A (NM_001304484.2); c.285-37T>A (NM_001370297.1); c.93-37T>A (NM_001304483.2).
Identifiers: ClinVar variation 670479 (VCV000670479.4), dbSNP rs4931641, ClinGen allele CA6506740.
Genomic context (GRCh38, chr12:32,602,124, plus strand): 5'-GTGATAATGCCACTGCACTACAGTCTGGGTGACAGAACAAGACCCTGTCTCAAAAAAAAA[T>A]TTTTTTTAAAGACTTGTTTTTCTATATTTGATACAGGGAAACTACTCCTAGAATTGGAGA-3'